The following is an entry in ClinVar:

ClinVar aggregate classification (germline): Likely benign (1 of 4 stars; one submission).

Allele frequency attached by ClinVar (database versions not stated): TOPMed 0.00002; gnomAD 0.00003; 1000 Genomes Project 30x 0.00016; 1000 Genomes Project 0.00020.

Submission:

CeGaT Center for Human Genetics Tuebingen
Classification: Likely benign. Last evaluated: 2022-09-01. Review status: criteria provided, single submitter. Criteria: CeGaT Center For Human Genetics Tuebingen Variant Classification Criteria Version 2. Collection method: clinical testing. Allele origin: germline. Affected: yes. Observed: 1 variant allele.
Comment: TRIM47: BP4, BP7

NM_033452.3(TRIM47):c.867C>T (p.Ile289=)

Gene: TRIM47 (tripartite motif containing 47; minus strand). Cytogenetic location: 17q25.1.
Variant type: single nucleotide variant.
Coding change: c.867C>T on transcript NM_033452.3 (MANE Select); coding-DNA position 867, C replaced by T.
Protein change: p.Ile289=; no amino-acid change (isoleucine 289 retained).
Molecular consequence: synonymous variant.
Genome position (GRCh38, 1-based): chr17:75,876,397, G>A on the plus strand (C>T on the coding strand, the complement: TRIM47 is on the minus strand). VCF-style: chr17-75876397-G-A. GRCh37 (hg19) VCF-style: chr17-73872478-G-A.
Identifiers: ClinVar variation 2648282 (VCV002648282.24), dbSNP rs147455759, ClinGen allele CA294099625.
Genomic context (GRCh38, chr17:75,876,397, plus strand): 5'-TTCCTCCTGTCGCCGCAGGTCACCCTGGGAGCGGCCTAGCATGGCAGCTTCCCCCTCCTC[G>A]ATGAAGCCCAGCACCTGGGTCTGGAAGCCCTGCAGGGCGGCCGCAGCATCTGCAAACAGC-3'
Protein context (NP_258411.2, residues 279-299): QGFQTQVLGF[Ile289=]EEGEAAMLGR